The following is an entry in ClinVar:

NM_015040.4(PIKFYVE):c.3026A>G (p.Lys1009Arg)

Gene: PIKFYVE (phosphoinositide kinase, FYVE-type zinc finger containing; plus strand). Cytogenetic location: 2q34.
Variant type: single nucleotide variant.
Coding change: c.3026A>G on transcript NM_015040.4 (MANE Select); coding-DNA position 3026, A replaced by G.
Protein change: p.Lys1009Arg; replaces lysine 1009 with arginine.
Molecular consequence: missense variant.
Genome position (GRCh38, 1-based): chr2:208,325,837, A>G. VCF-style: chr2-208325837-A-G. GRCh37 (hg19) VCF-style: chr2-209190561-A-G.
Other names: short protein forms K1009R.
Identifiers: ClinVar variation 4881968 (VCV004881968.2).
Genomic context (GRCh38, chr2:208,325,837, plus strand): 5'-ATGCTTTAGGCAGCGAGCAGCCAGAGACTTTGCAGCAAACAGTTGTGCTGCAGGATCCCA[A>G]AAGCCAGATAAGAGCCTTTAGAGACCCTCTACAGGATGACACTGGATTATATGTTACTGA-3'
Protein context (NP_055855.2, residues 999-1019): LQQTVVLQDP[Lys1009Arg]SQIRAFRDPL

ClinVar aggregate classification (germline): Uncertain significance (1 of 4 stars; one submission).

gnomAD v4.1: 1 of 1,614,104 alleles (0.000062%); highest among the groups gnomAD compares: Admixed American, 0.0017%; no homozygotes.

Submission:

Dasa
Classification: Uncertain significance. Last evaluated: 2025-09-16. Review status: criteria provided, single submitter. Criteria: DASA Assertion Criteria. Collection method: clinical testing. Allele origin: germline.
Comment: NM_015040.4(PIKFYVE):c.3026A>G (p.Lys1009Arg) is a missense variant that results in the substitution of lysine with arginine. This variant is rare in population databases. Computational prediction algorithms are consistent with a benign effect. The currently available literature and clinical evidence are not sufficient to establish a definitive association between this variant and the reported condition. Therefore, this variant is classified as a variant of uncertain significance.